The following is an entry in ClinVar:

ClinVar aggregate classification (germline): Uncertain significance. Review status: criteria provided, multiple submitters, no conflicts (2 of 4 stars). 2 submissions from 2 submitters: Uncertain significance (2). Last evaluated 2026-06-05.

Conditions:
Mitochondrial complex II deficiency, nuclear type 1. Also called: SUCCINATE CoQ REDUCTASE DEFICIENCY. Identifiers: Orphanet 3208, MedGen C5700310, MONDO:0100294, OMIM 252011.
Pheochromocytoma/paraganglioma syndrome 5. Also called: Paragangliomas 5; SDHA-Related Hereditary Paraganglioma-Pheochromocytoma Syndrome. Identifiers: Orphanet 29072, MedGen C3279992, MONDO:0013602, OMIM 614165.
Hereditary cancer-predisposing syndrome. Also called: Tumor predisposition; Hereditary Cancer Syndrome; Hereditary neoplastic syndrome; Neoplastic Syndromes, Hereditary. Identifiers: Orphanet 140162, MedGen C0027672, MeSH D009386, MONDO:0015356.

Submissions (2):

Ambry Genetics
Classification: Uncertain significance for Hereditary cancer-predisposing syndrome. Last evaluated: 2026-06-05. Review status: criteria provided, single submitter. Criteria: Ambry Variant Classification Scheme 2023. Collection method: clinical testing. Allele origin: germline.
Comment: The p.G197S variant (also known as c.589G>A), located in coding exon 5 of the SDHA gene, results from a G to A substitution at nucleotide position 589. The glycine at codon 197 is replaced by serine, an amino acid with similar properties. This amino acid position is highly conserved in available vertebrate species. In addition, this alteration is predicted to be deleterious by in silico analysis. Based on the available evidence, the clinical significance of this variant remains unclear.

Labcorp Genetics (formerly Invitae), Labcorp
Classification: Uncertain significance for Pheochromocytoma/paraganglioma syndrome 5; Mitochondrial complex II deficiency, nuclear type 1. Last evaluated: 2024-10-07. Review status: criteria provided, single submitter. Criteria: Invitae Variant Classification Sherloc (09022015). Collection method: clinical testing. Allele origin: germline.
Comment: This sequence change replaces glycine, which is neutral and non-polar, with serine, which is neutral and polar, at codon 197 of the SDHA protein (p.Gly197Ser). This variant is not present in population databases (gnomAD no frequency). This variant has not been reported in the literature in individuals affected with SDHA-related conditions. ClinVar contains an entry for this variant (Variation ID: 1409044). Invitae Evidence Modeling of protein sequence and biophysical properties (such as structural, functional, and spatial information, amino acid conservation, physicochemical variation, residue mobility, and thermodynamic stability) has been performed for this missense variant. However, the output from this modeling did not meet the statistical confidence thresholds required to predict the impact of this variant on SDHA protein function. In summary, the available evidence is currently insufficient to determine the role of this variant in disease. Therefore, it has been classified as a Variant of Uncertain Significance.

NM_004168.4(SDHA):c.589G>A (p.Gly197Ser)

Gene: SDHA (succinate dehydrogenase complex flavoprotein subunit A; plus strand). Cytogenetic location: 5p15.33.
Variant type: single nucleotide variant.
Coding change: c.589G>A on transcript NM_004168.4 (MANE Select); coding-DNA position 589, G replaced by A.
Protein change: p.Gly197Ser; replaces glycine 197 with serine.
Molecular consequence: missense variant.
Genome position (GRCh38, 1-based): chr5:226,015, G>A. VCF-style: chr5-226015-G-A. GRCh37 (hg19) VCF-style: chr5-226130-G-A.
Other names: c.589G>A (NM_004168.2); c.445G>A, p.Gly149Ser (NM_001294332.2); c.589G>A, p.Gly197Ser (NM_001330758.2); short protein forms G149S, G197S.
Identifiers: ClinVar variation 1409044 (VCV001409044.8), dbSNP rs1560987881, ClinGen allele CA359010555.